The following is an entry in ClinVar:

NM_000642.3(AGL):c.71G>C (p.Arg24Thr)

Gene: AGL (amylo-alpha-1,6-glucosidase and 4-alpha-glucanotransferase; plus strand). Cytogenetic location: 1p21.2.
Variant type: single nucleotide variant.
Coding change: c.71G>C on transcript NM_000642.3 (MANE Select); coding-DNA position 71, G replaced by C.
Protein change: p.Arg24Thr; replaces arginine 24 with threonine.
Molecular consequence: missense variant.
Genome position (GRCh38, 1-based): chr1:99,851,113, G>C. VCF-style: chr1-99851113-G-C. GRCh37 (hg19) VCF-style: chr1-100316669-G-C.
Other names: c.71G>C, p.Arg24Thr (NM_000028.3, NM_000643.3, NM_000644.3 and 6 more transcripts); c.-121G>C (NM_000646.3); short protein forms R24T.
Identifiers: ClinVar variation 860664 (VCV000860664.13), dbSNP rs772905291, ClinGen allele CA966005.
Genomic context (GRCh38, chr1:99,851,113, plus strand): 5'-GTAAACAGATTCGAATTTTACTTCTGAACGAAATGGAGAAACTGGAAAAGACCCTCTTCA[G>C]ACTTGAACAAGGTCAGTAGCAAGTTGTTTTGATTTGCTCATTTGCGTCTTTTAAACTTTT-3'
Protein context (NP_000633.2, residues 14-34): EMEKLEKTLF[Arg24Thr]LEQGYELQFR

ClinVar aggregate classification (germline): Uncertain significance. Review status: criteria provided, single submitter (1 of 4 stars). 2 submissions from 2 submitters: Uncertain significance (1). 1 of the submissions does not count toward it. Last evaluated 2022-07-19.

Conditions:
Glycogen storage disease type III (GSD3). Also called: Cori disease; FORBES DISEASE. Identifiers: Orphanet 366, MedGen C0017922, MONDO:0009291, OMIM 232400.

gnomAD v4.1: 1 of 1,613,934 alleles (0.000062%); highest among the groups gnomAD compares: Non-Finnish European, 0.000085%; no homozygotes.

Submissions (2):

Labcorp Genetics (formerly Invitae), Labcorp
Classification: Uncertain significance for Glycogen storage disease type III. Last evaluated: 2022-07-19. Review status: criteria provided, single submitter. Criteria: Invitae Variant Classification Sherloc (09022015). Collection method: clinical testing. Allele origin: germline.
Comment: In summary, the available evidence is currently insufficient to determine the role of this variant in disease. Therefore, it has been classified as a Variant of Uncertain Significance. Algorithms developed to predict the effect of missense changes on protein structure and function are either unavailable or do not agree on the potential impact of this missense change (SIFT: "Tolerated"; PolyPhen-2: "Possibly Damaging"; Align-GVGD: "Class C0"). ClinVar contains an entry for this variant (Variation ID: 860664). This variant has not been reported in the literature in individuals affected with AGL-related conditions. This variant is present in population databases (rs772905291, gnomAD 0.0009%). This sequence change replaces arginine, which is basic and polar, with threonine, which is neutral and polar, at codon 24 of the AGL protein (p.Arg24Thr).

Natera, Inc.
Classification: Uncertain significance for Glycogen storage disease type III. Last evaluated: 2021-02-25. Review status: no assertion criteria provided. Collection method: clinical testing. Allele origin: germline. Not counted in ClinVar's aggregate classification.